The following is an entry in ClinVar:

NM_001110556.2(FLNA):c.869-2A>G

Gene: FLNA (filamin A; minus strand). Cytogenetic location: Xq28.
Variant type: single nucleotide variant.
Coding change: c.869-2A>G on transcript NM_001110556.2 (MANE Select); the canonical splice acceptor site of the intron before coding-DNA position 869, A replaced by G.
Molecular consequence: splice acceptor variant.
Genome position (GRCh38, 1-based): chrX:154,366,852, T>C on the plus strand (A>G on the coding strand, the complement: FLNA is on the minus strand). VCF-style: chrX-154366852-T-C. GRCh37 (hg19) VCF-style: chrX-153595220-T-C.
Other names: c.869-2A>G (NM_001456.4).
Identifiers: ClinVar variation 4882245 (VCV004882245.2).

ClinVar aggregate classification (germline): Uncertain significance (1 of 4 stars; one submission).

Conditions:
Cardiac valvular dysplasia, X-linked (CVDPX). Also called: MYXOMATOUS VALVULAR DYSTROPHY, X-LINKED; VALVULAR HEART DISEASE, CONGENITAL; FLNA-Related X-linked Cardiac Valvular Dysplasia; Congenital valvular dysplasia; Isolated X-Linked Cardiac Valvular Dysplasia. Identifiers: Orphanet 1864, Orphanet 555877, Orphanet 75497, MedGen C0262436, MONDO:0010753, OMIM 314400.

Submission:

Dasa
Classification: Uncertain significance for Cardiac valvular dysplasia, X-linked. Last evaluated: 2025-11-10. Review status: criteria provided, single submitter. Criteria: DASA Assertion Criteria. Collection method: clinical testing. Allele origin: germline.
Comment: NM_001110556.2(FLNA):c.869-2A>G affects a canonical splice site and is predicted to disrupt normal RNA splicing. This variant is rare in population databases. The currently available literature and clinical evidence are not sufficient to establish a definitive association between this variant and the reported condition. Therefore, this variant is classified as a variant of uncertain significance.